The following is an entry in ClinVar:

NM_000095.3(COMP):c.2065C>T (p.Arg689Trp)

Gene: COMP (cartilage oligomeric matrix protein; minus strand). Cytogenetic location: 19p13.11.
Variant type: single nucleotide variant.
Coding change: c.2065C>T on transcript NM_000095.3 (MANE Select); coding-DNA position 2065, C replaced by T.
Protein change: p.Arg689Trp; replaces arginine 689 with tryptophan.
Molecular consequence: missense variant.
Genome position (GRCh38, 1-based): chr19:18,784,213, G>A on the plus strand (C>T on the coding strand, the complement: COMP is on the minus strand). VCF-style: chr19-18784213-G-A. GRCh37 (hg19) VCF-style: chr19-18895023-G-A.
Other names: c.2065C>T (NM_000095.2); short protein forms R689W.
Identifiers: ClinVar variation 1390963 (VCV001390963.7), dbSNP rs765278469, ClinGen allele CA404876364.

ClinVar aggregate classification (germline): Uncertain significance. Review status: criteria provided, multiple submitters, no conflicts (2 of 4 stars). 2 submissions from 2 submitters: Uncertain significance (2). Last evaluated 2024-12-03.

Conditions:
Inborn genetic diseases. Identifiers: MedGen C0950123, MeSH D030342.

gnomAD v4.1: 9 of 1,613,772 alleles (0.00056%); highest among the groups gnomAD compares: Non-Finnish European, 0.00076%; no homozygotes.

Submissions (2):

Labcorp Genetics (formerly Invitae), Labcorp
Classification: Uncertain significance. Last evaluated: 2024-12-03. Review status: criteria provided, single submitter. Criteria: Invitae Variant Classification Sherloc (09022015). Collection method: clinical testing. Allele origin: germline.
Comment: This sequence change replaces arginine, which is basic and polar, with tryptophan, which is neutral and slightly polar, at codon 689 of the COMP protein (p.Arg689Trp). This variant is present in population databases (no rsID available, gnomAD 0.0009%). This variant has not been reported in the literature in individuals affected with COMP-related conditions. ClinVar contains an entry for this variant (Variation ID: 1390963). Invitae Evidence Modeling of protein sequence and biophysical properties (such as structural, functional, and spatial information, amino acid conservation, physicochemical variation, residue mobility, and thermodynamic stability) indicates that this missense variant is expected to disrupt COMP protein function with a positive predictive value of 80%. In summary, the available evidence is currently insufficient to determine the role of this variant in disease. Therefore, it has been classified as a Variant of Uncertain Significance.

Ambry Genetics
Classification: Uncertain significance for Inborn genetic diseases. Last evaluated: 2023-12-21. Review status: criteria provided, single submitter. Criteria: Ambry Variant Classification Scheme 2023. Collection method: clinical testing. Allele origin: germline.